The following is an entry in ClinVar:

NM_004260.4(RECQL4):c.3331G>A (p.Glu1111Lys)

Gene: RECQL4 (RecQ like helicase 4; minus strand). Cytogenetic location: 8q24.3.
Variant type: single nucleotide variant.
Coding change: c.3331G>A on transcript NM_004260.4 (MANE Select); coding-DNA position 3331, G replaced by A.
Protein change: p.Glu1111Lys; replaces glutamic acid 1111 with lysine.
Molecular consequence: missense variant.
Genome position (GRCh38, 1-based): chr8:144,511,973, C>T on the plus strand (G>A on the coding strand, the complement: RECQL4 is on the minus strand). VCF-style: chr8-144511973-C-T. GRCh37 (hg19) VCF-style: chr8-145737356-C-T.
Other names: short protein forms E1111K.
Identifiers: ClinVar variation 1434878 (VCV001434878.6), dbSNP rs1331348912, ClinGen allele CA372668558.
Genomic context (GRCh38, chr8:144,511,973, plus strand): 5'-TGGCCTGCCCTGGCTCGGGGCCCTGTGCGTCCTCCATGCCTCCCGGCTCCTGCCCTTCCT[C>T]TTCCTCAAAGTAGCGGCCGAGCAGGTCCTTGAGCCTGGTGCTGCGCTCCTCATCCTGCTG-3'
Protein context (NP_004251.4, residues 1101-1121): KDLLGRYFEE[Glu1111Lys]EGQEPGGMED

ClinVar aggregate classification (germline): Uncertain significance (1 of 4 stars; one submission).

Conditions:
Baller-Gerold syndrome (BGS). Also called: CRANIOSYNOSTOSIS WITH RADIAL DEFECTS. Identifiers: Orphanet 1225, MedGen C0265308, MONDO:0009039, OMIM 218600.

Allele frequency attached by ClinVar (database versions not stated): gnomAD exomes below 0.00001; TOPMed below 0.00001; gnomAD 0.00001.
gnomAD v4.1: 6 of 1,611,568 alleles (0.00037%); highest among the groups gnomAD compares: East Asian, 0.0022%; no homozygotes.

Submission:

Labcorp Genetics (formerly Invitae), Labcorp
Classification: Uncertain significance for Baller-Gerold syndrome. Last evaluated: 2025-08-11. Review status: criteria provided, single submitter. Criteria: Invitae Variant Classification Sherloc (09022015). Collection method: clinical testing. Allele origin: germline.
Comment: This sequence change replaces glutamic acid, which is acidic and polar, with lysine, which is basic and polar, at codon 1111 of the RECQL4 protein (p.Glu1111Lys). This variant is present in population databases (no rsID available, gnomAD 0.0009%). This variant has not been reported in the literature in individuals affected with RECQL4-related conditions. ClinVar contains an entry for this variant (Variation ID: 1434878). Invitae Evidence Modeling of protein sequence and biophysical properties (such as structural, functional, and spatial information, amino acid conservation, physicochemical variation, residue mobility, and thermodynamic stability) indicates that this missense variant is not expected to disrupt RECQL4 protein function with a negative predictive value of 80%. In summary, the available evidence is currently insufficient to determine the role of this variant in disease. Therefore, it has been classified as a Variant of Uncertain Significance.